The following is an entry in ClinVar:

ClinVar aggregate classification (germline): Pathogenic. Review status: criteria provided, multiple submitters, no conflicts (2 of 4 stars). 2 submissions from 2 submitters: Pathogenic (2). Last evaluated 2025-04-02.

Conditions:
Hereditary cancer-predisposing syndrome. Also called: Tumor predisposition; Neoplastic Syndromes, Hereditary; Hereditary Cancer Syndrome; Hereditary neoplastic syndrome. Identifiers: Orphanet 140162, MedGen C0027672, MeSH D009386, MONDO:0015356.

Allele frequency attached by ClinVar (database versions not stated): TOPMed below 0.00001.

Submissions (2):

Labcorp Genetics (formerly Invitae), Labcorp
Classification: Pathogenic. Last evaluated: 2025-04-02. Review status: criteria provided, single submitter. Criteria: Invitae Variant Classification Sherloc (09022015). Collection method: clinical testing. Allele origin: germline.
Comment: This sequence change creates a premature translational stop signal (p.Glu139*) in the MSH3 gene. It is expected to result in an absent or disrupted protein product. Loss-of-function variants in MSH3 are known to be pathogenic (PMID: 27476653, 37402566). This variant is not present in population databases (gnomAD no frequency). This variant has not been reported in the literature in individuals affected with MSH3-related conditions. ClinVar contains an entry for this variant (Variation ID: 1455535). For these reasons, this variant has been classified as Pathogenic.

Ambry Genetics
Classification: Pathogenic for Hereditary cancer-predisposing syndrome. Last evaluated: 2024-12-17. Review status: criteria provided, single submitter. Criteria: Ambry Variant Classification Scheme 2023. Collection method: clinical testing. Allele origin: germline.
Comment: The p.E139* pathogenic mutation (also known as c.415G>T), located in coding exon 3 of the MSH3 gene, results from a G to T substitution at nucleotide position 415. This changes the amino acid from a glutamic acid to a stop codon within coding exon 3. This variant is considered to be rare based on population cohorts in the Genome Aggregation Database (gnomAD). This alteration is expected to result in loss of function by premature protein truncation or nonsense-mediated mRNA decay. As such, this alteration is interpreted as a disease-causing mutation.

Literature cited by the submitters: PubMed 27476653 (cited by Labcorp Genetics (formerly Invitae), Labcorp); PubMed 37402566 (cited by Labcorp Genetics (formerly Invitae), Labcorp).

NM_002439.5(MSH3):c.415G>T (p.Glu139Ter)

Gene: MSH3 (mutS homolog 3; plus strand). Cytogenetic location: 5q14.1.
Variant type: single nucleotide variant.
Coding change: c.415G>T on transcript NM_002439.5 (MANE Select); coding-DNA position 415, G replaced by T.
Protein change: p.Glu139Ter; replaces glutamic acid 139 with a stop codon.
Molecular consequence: nonsense.
Genome position (GRCh38, 1-based): chr5:80,665,199, G>T. VCF-style: chr5-80665199-G-T. GRCh37 (hg19) VCF-style: chr5-79961018-G-T.
Other names: c.415G>T (NM_002439.3); short protein forms E139*.
Identifiers: ClinVar variation 1455535 (VCV001455535.7), dbSNP rs1749541157, ClinGen allele CA360263255.